The following is an entry in ClinVar:

ClinVar aggregate classification (germline): Uncertain significance (1 of 4 stars; one submission).

gnomAD v4.1: 1 of 1,613,432 alleles (0.000062%); highest among the groups gnomAD compares: African/African-American, 0.0013%; no homozygotes.

Submission:

Labcorp Genetics (formerly Invitae), Labcorp
Classification: Uncertain significance. Last evaluated: 2025-02-06. Review status: criteria provided, single submitter. Criteria: Invitae Variant Classification Sherloc (09022015). Collection method: clinical testing. Allele origin: germline.
Comment: This sequence change replaces glycine, which is neutral and non-polar, with arginine, which is basic and polar, at codon 39 of the PDE6B protein (p.Gly39Arg). This variant is not present in population databases (gnomAD no frequency). This variant has not been reported in the literature in individuals affected with PDE6B-related conditions. Invitae Evidence Modeling of protein sequence and biophysical properties (such as structural, functional, and spatial information, amino acid conservation, physicochemical variation, residue mobility, and thermodynamic stability) indicates that this missense variant is not expected to disrupt PDE6B protein function with a negative predictive value of 95%. In summary, the available evidence is currently insufficient to determine the role of this variant in disease. Therefore, it has been classified as a Variant of Uncertain Significance.

NM_000283.4(PDE6B):c.115G>C (p.Gly39Arg)

Gene: PDE6B (phosphodiesterase 6B; plus strand). Cytogenetic location: 4p16.3.
Variant type: single nucleotide variant.
Coding change: c.115G>C on transcript NM_000283.4 (MANE Select); coding-DNA position 115, G replaced by C.
Protein change: p.Gly39Arg; replaces glycine 39 with arginine.
Molecular consequence: missense variant.
Genome position (GRCh38, 1-based): chr4:625,741, G>C. VCF-style: chr4-625741-G-C. GRCh37 (hg19) VCF-style: chr4-619530-G-C.
Other names: c.115G>C, p.Gly39Arg (NM_001145291.2, NM_001440547.1, NM_001440548.1); short protein forms G39R.
Identifiers: ClinVar variation 4746186 (VCV004746186.1).